The following is an entry in ClinVar:

ClinVar aggregate classification (germline): Uncertain significance (1 of 4 stars; one submission).

Allele frequency attached by ClinVar (database versions not stated): gnomAD 0.00002; gnomAD exomes below 0.00001; TOPMed 0.00004; ExAC 0.00001.
gnomAD v4.1: 10 of 1,613,538 alleles (0.00062%); highest among the groups gnomAD compares: Admixed American, 0.0083%; no homozygotes.

Submission:

Labcorp Genetics (formerly Invitae), Labcorp
Classification: Uncertain significance. Last evaluated: 2024-08-01. Review status: criteria provided, single submitter. Criteria: Invitae Variant Classification Sherloc (09022015). Collection method: clinical testing. Allele origin: germline.
Comment: This sequence change replaces cysteine, which is neutral and slightly polar, with tyrosine, which is neutral and polar, at codon 906 of the MYH3 protein (p.Cys906Tyr). This variant is present in population databases (rs773153080, gnomAD 0.009%). This variant has not been reported in the literature in individuals affected with MYH3-related conditions. ClinVar contains an entry for this variant (Variation ID: 2055479). Advanced modeling of protein sequence and biophysical properties (such as structural, functional, and spatial information, amino acid conservation, physicochemical variation, residue mobility, and thermodynamic stability) has been performed at Invitae for this missense variant, however the output from this modeling did not meet the statistical confidence thresholds required to predict the impact of this variant on MYH3 protein function. In summary, the available evidence is currently insufficient to determine the role of this variant in disease. Therefore, it has been classified as a Variant of Uncertain Significance.

NM_002470.4(MYH3):c.2717G>A (p.Cys906Tyr)

Gene: MYH3 (myosin heavy chain 3; minus strand). Cytogenetic location: 17p13.1.
Variant type: single nucleotide variant.
Coding change: c.2717G>A on transcript NM_002470.4 (MANE Select); coding-DNA position 2717, G replaced by A.
Protein change: p.Cys906Tyr; replaces cysteine 906 with tyrosine.
Molecular consequence: missense variant.
Genome position (GRCh38, 1-based): chr17:10,639,768, C>T on the plus strand (G>A on the coding strand, the complement: MYH3 is on the minus strand). VCF-style: chr17-10639768-C-T. GRCh37 (hg19) VCF-style: chr17-10543085-C-T.
Other names: short protein forms C906Y.
Identifiers: ClinVar variation 2055479 (VCV002055479.4), dbSNP rs773153080, ClinGen allele CA8392690.